The following is an entry in ClinVar:

NM_006096.4(NDRG1):c.1000G>A (p.Val334Ile)

Gene: NDRG1 (N-myc downstream regulated 1; minus strand). Cytogenetic location: 8q24.22.
Variant type: single nucleotide variant.
Coding change: c.1000G>A on transcript NM_006096.4 (MANE Select); coding-DNA position 1000, G replaced by A.
Protein change: p.Val334Ile; replaces valine 334 with isoleucine.
Molecular consequence: missense variant.
Genome position (GRCh38, 1-based): chr8:133,239,063, C>T on the plus strand (G>A on the coding strand, the complement: NDRG1 is on the minus strand). VCF-style: chr8-133239063-C-T. GRCh37 (hg19) VCF-style: chr8-134251306-C-T.
Other names: c.1000G>A, p.Val334Ile (NM_001135242.2, NM_001374845.1, NM_001374846.1); c.802G>A, p.Val268Ile (NM_001258432.2, NM_001374847.1); c.757G>A, p.Val253Ile (NM_001258433.2); c.1051G>A, p.Val351Ile (NM_001374844.1); short protein forms V253I, V268I, V334I, V351I.
Identifiers: ClinVar variation 910309 (VCV000910309.12), dbSNP rs568119325, ClinGen allele CA4886446.

ClinVar aggregate classification (germline): Uncertain significance. Review status: criteria provided, multiple submitters, no conflicts (2 of 4 stars). 4 submissions from 4 submitters: Uncertain significance (4). Last evaluated 2025-10-28.

Conditions:
Inborn genetic diseases. Identifiers: MedGen C0950123, MeSH D030342.
Charcot-Marie-Tooth disease type 4D. Also called: CHARCOT-MARIE-TOOTH DISEASE, DEMYELINATING, TYPE 4D; Charcot-Marie-Tooth Neuropathy Type 4D; CHARCOT-MARIE-TOOTH DISEASE, DEMYELINATING, AUTOSOMAL RECESSIVE, TYPE 4D; NEUROPATHY, HEREDITARY MOTOR AND SENSORY, LOM TYPE. Identifiers: Orphanet 99950, MedGen C1832334, MONDO:0011085, OMIM 601455.
Charcot-Marie-Tooth disease type 4. Also called: Charcot-Marie-Tooth disease, type IV; Charcot-Marie-Tooth, Type 4. Identifiers: Orphanet 64749, MedGen C4082197, MONDO:0018995.
NDRG1-related disorder. Also called: NDRG1-related condition.

Allele frequency attached by ClinVar (database versions not stated): TOPMed 0.00001; gnomAD exomes 0.00002; ExAC 0.00010; 1000 Genomes Project 30x 0.00016; 1000 Genomes Project 0.00020.

Submissions (4):

Ambry Genetics
Classification: Uncertain significance for Inborn genetic diseases. Last evaluated: 2025-10-28. Review status: criteria provided, single submitter. Criteria: Ambry Variant Classification Scheme 2023. Collection method: clinical testing. Allele origin: germline.

PreventionGenetics, part of Exact Sciences
Classification: Uncertain significance for NDRG1-related condition. Last evaluated: 2025-08-14. Review status: criteria provided, single submitter. Criteria: ACMG Guidelines, 2015. Collection method: clinical testing. Allele origin: germline.
Comment: The NDRG1 c.1000G>A variant is predicted to result in the amino acid substitution p.Val334Ile. To our knowledge, this variant has not been reported in the literature. This variant is reported in 0.0096% of alleles in individuals of African descent in gnomAD. At this time, the clinical significance of this variant is uncertain due to the absence of conclusive functional and genetic evidence.

Labcorp Genetics (formerly Invitae), Labcorp
Classification: Uncertain significance for Charcot-Marie-Tooth disease type 4. Last evaluated: 2022-10-18. Review status: criteria provided, single submitter. Criteria: Invitae Variant Classification Sherloc (09022015). Collection method: clinical testing. Allele origin: germline.
Comment: This sequence change replaces valine, which is neutral and non-polar, with isoleucine, which is neutral and non-polar, at codon 334 of the NDRG1 protein (p.Val334Ile). This variant is present in population databases (rs568119325, gnomAD 0.01%). This variant has not been reported in the literature in individuals affected with NDRG1-related conditions. ClinVar contains an entry for this variant (Variation ID: 910309). Advanced modeling of protein sequence and biophysical properties (such as structural, functional, and spatial information, amino acid conservation, physicochemical variation, residue mobility, and thermodynamic stability) performed at Invitae indicates that this missense variant is not expected to disrupt NDRG1 protein function. In summary, the available evidence is currently insufficient to determine the role of this variant in disease. Therefore, it has been classified as a Variant of Uncertain Significance.

Illumina Laboratory Services, Illumina
Classification: Uncertain significance for Charcot-Marie-Tooth disease type 4D. Last evaluated: 2018-01-13. Review status: criteria provided, single submitter. Criteria: ICSL Variant Classification Criteria 13 December 2019. Collection method: clinical testing. Allele origin: germline.